The following is an entry in ClinVar:

ClinVar aggregate classification (germline): Uncertain significance. Review status: criteria provided, multiple submitters, no conflicts (2 of 4 stars). 2 submissions from 2 submitters: Uncertain significance (2). Last evaluated 2025-04-07.

Conditions:
Arrhythmogenic right ventricular dysplasia 8 (ARVD8). Also called: ARRHYTHMOGENIC RIGHT VENTRICULAR DYSPLASIA, FAMILIAL, 8; ARRHYTHMOGENIC RIGHT VENTRICULAR CARDIOMYOPATHY 8; Arrhythmogenic Right Ventricular Dysplasia/Cardiomyopathy 8. Identifiers: MedGen C1843896, MONDO:0011831, OMIM 607450.
Arrhythmogenic cardiomyopathy with wooly hair and keratoderma. Also called: Arrhythmogenic cardiomyopathy with woolly hair and keratoderma; Dilated cardiomyopathy with woolly hair and keratoderma; Carvajal syndrome; PALMOPLANTAR KERATODERMA WITH LEFT VENTRICULAR CARDIOMYOPATHY AND WOOLLY HAIR. Identifiers: Orphanet 65282, MedGen C1854063, MONDO:0011581, OMIM 605676.
Cardiovascular phenotype. Identifiers: MedGen CN230736.

Allele frequency attached by ClinVar (database versions not stated): gnomAD exomes below 0.00001.
gnomAD v4.1: 1 of 1,613,480 alleles (0.000062%); highest among the groups gnomAD compares: Non-Finnish European, 0.000085%; no homozygotes.

Submissions (2):

Ambry Genetics
Classification: Uncertain significance for Cardiovascular phenotype. Last evaluated: 2025-04-07. Review status: criteria provided, single submitter. Criteria: Ambry Variant Classification Scheme 2023. Collection method: clinical testing. Allele origin: germline.
Comment: The p.Y2858C variant (also known as c.8573A>G), located in coding exon 24 of the DSP gene, results from an A to G substitution at nucleotide position 8573. The tyrosine at codon 2858 is replaced by cysteine, an amino acid with highly dissimilar properties. This amino acid position is conserved. In addition, the in silico prediction for this alteration is inconclusive. Based on the available evidence, the clinical significance of this variant remains unclear.

Labcorp Genetics (formerly Invitae), Labcorp
Classification: Uncertain significance for Arrhythmogenic cardiomyopathy with wooly hair and keratoderma; Arrhythmogenic right ventricular dysplasia 8. Last evaluated: 2022-12-12. Review status: criteria provided, single submitter. Criteria: Invitae Variant Classification Sherloc (09022015). Collection method: clinical testing. Allele origin: germline.
Comment: This sequence change replaces tyrosine, which is neutral and polar, with cysteine, which is neutral and slightly polar, at codon 2858 of the DSP protein (p.Tyr2858Cys). This variant is not present in population databases (gnomAD no frequency). This variant has not been reported in the literature in individuals affected with DSP-related conditions. ClinVar contains an entry for this variant (Variation ID: 1009957). Algorithms developed to predict the effect of missense changes on protein structure and function are either unavailable or do not agree on the potential impact of this missense change (SIFT: "Deleterious"; PolyPhen-2: "Possibly Damaging"; Align-GVGD: "Class C0"). In summary, the available evidence is currently insufficient to determine the role of this variant in disease. Therefore, it has been classified as a Variant of Uncertain Significance.

NM_004415.4(DSP):c.8573A>G (p.Tyr2858Cys)

Gene: DSP (desmoplakin; plus strand). Cytogenetic location: 6p24.3.
Variant type: single nucleotide variant.
Coding change: c.8573A>G on transcript NM_004415.4 (MANE Select); coding-DNA position 8573, A replaced by G.
Protein change: p.Tyr2858Cys; replaces tyrosine 2858 with cysteine.
Molecular consequence: missense variant.
Genome position (GRCh38, 1-based): chr6:7,585,835, A>G. VCF-style: chr6-7585835-A-G. GRCh37 (hg19) VCF-style: chr6-7586068-A-G.
Other names: c.8573A>G (NM_004415.2); c.6776A>G, p.Tyr2259Cys (NM_001008844.3); c.7244A>G, p.Tyr2415Cys (NM_001319034.2); short protein forms Y2259C, Y2415C, Y2858C.
Identifiers: ClinVar variation 1009957 (VCV001009957.13), dbSNP rs1759654706, ClinGen allele CA362695405.